The following is an entry in ClinVar:

ClinVar aggregate classification (germline): Likely benign (1 of 4 stars; one submission).

Allele frequency attached by ClinVar (database versions not stated): gnomAD 0.00001; gnomAD exomes 0.00003; TOPMed 0.00003.
gnomAD v4.1: 36 of 1,210,934 alleles (0.003%); highest among the groups gnomAD compares: Non-Finnish European, 0.004%; no homozygotes.

Submission:

CeGaT Center for Human Genetics Tuebingen
Classification: Likely benign. Last evaluated: 2023-02-01. Review status: criteria provided, single submitter. Criteria: CeGaT Center For Human Genetics Tuebingen Variant Classification Criteria Version 2. Collection method: clinical testing. Allele origin: germline. Affected: yes. Observed: 1 variant allele.
Comment: YY2: BP4, BP7

NM_206923.4(YY2):c.867C>T (p.Gly289=)

Genes: MBTPS2 (membrane bound transcription factor peptidase, site 2; plus strand), YY2 (YY2 transcription factor; plus strand). Cytogenetic location: Xp22.12.
Variant type: single nucleotide variant.
Coding change: c.867C>T on transcript NM_206923.4 (MANE Select); coding-DNA position 867, C replaced by T.
Protein change: p.Gly289=; no amino-acid change (glycine 289 retained).
Molecular consequence: synonymous variant. On other transcripts: intron variant (1).
Genome position (GRCh38, 1-based): chrX:21,857,351, C>T. VCF-style: chrX-21857351-C-T. GRCh37 (hg19) VCF-style: chrX-21875469-C-T.
Other names: c.670+3848C>T (NM_015884.4).
Identifiers: ClinVar variation 2660153 (VCV002660153.24), dbSNP rs772810652, ClinGen allele CA327503108.
Genomic context (GRCh38, chrX:21,857,351, plus strand): 5'-CGCCATGAGAAAACATCTCCACATCCACGGGCCCAGAGTCCACGTATGTGCAGAATGTGG[C>T]AAAGCTTTTCTTGAGAGCTCAAAGCTGAGACGACACCAGCTGGTCCACACCGGCGAGAAG-3'
Protein context (NP_996806.2, residues 279-299): GPRVHVCAEC[Gly289=]KAFLESSKLR